The following is an entry in ClinVar:

NM_003072.5(SMARCA4):c.4380G>A (p.Lys1460=)

Gene: SMARCA4 (SWI/SNF related BAF chromatin remodeling complex subunit ATPase 4; plus strand). Cytogenetic location: 19p13.2.
Variant type: single nucleotide variant.
Coding change: c.4380G>A on transcript NM_003072.5 (MANE Select); coding-DNA position 4380, G replaced by A.
Protein change: p.Lys1460=; no amino-acid change (lysine 1460 retained).
Molecular consequence: synonymous variant. On other transcripts: non-coding transcript variant (1).
Genome position (GRCh38, 1-based): chr19:11,041,516, G>A. VCF-style: chr19-11041516-G-A. GRCh37 (hg19) VCF-style: chr19-11152192-G-A.
Other names: c.4281G>A, p.Lys1427= (NM_001128848.2, NM_001374457.1, NM_001128847.4); c.4476G>A, p.Lys1492= (NM_001128849.3, NM_001387283.1); c.4377G>A, p.Lys1459= (NM_001411150.1); c.4380G>A, p.Lys1460= (NM_001128844.3); c.4290G>A, p.Lys1430= (NM_001128845.2, NM_001128846.2).
Identifiers: ClinVar variation 2587137 (VCV002587137.6), dbSNP rs2146822019, ClinGen allele CA505743968.

ClinVar aggregate classification (germline): Benign/Likely benign. Review status: criteria provided, multiple submitters, no conflicts (2 of 4 stars). 4 submissions from 4 submitters: Benign (1); Likely benign (3). Last evaluated 2026-07-22.

Conditions:
Rhabdoid tumor predisposition syndrome 2 (RTPS2). Identifiers: Orphanet 231108, Orphanet 69077, MedGen C2750074, MONDO:0013224, OMIM 613325.
Hereditary cancer-predisposing syndrome. Also called: Hereditary Cancer Syndrome; Hereditary neoplastic syndrome; Neoplastic Syndromes, Hereditary; Tumor predisposition. Identifiers: Orphanet 140162, MedGen C0027672, MeSH D009386, MONDO:0015356.

Allele frequency attached by ClinVar (database versions not stated): gnomAD exomes 0.00001.
gnomAD v4.1: 3 of 1,613,880 alleles (0.00019%); highest among the groups gnomAD compares: Non-Finnish European, 0.00025%; no homozygotes.

Submissions (4):

Myriad Genetics, Inc.
Classification: Benign for Rhabdoid tumor predisposition syndrome 2. Last evaluated: 2026-07-22. Review status: criteria provided, single submitter. Criteria: Myriad Autosomal Dominant, Autosomal Recessive and X-Linked Classification Criteria (2023). Collection method: clinical testing. Allele origin: unknown.
Comment: This variant is considered benign. This variant is a silent/synonymous amino acid change and it is not expected to impact splicing.

Women's Health and Genetics/Laboratory Corporation of America, LabCorp
Classification: Likely benign. Last evaluated: 2025-12-04. Review status: criteria provided, single submitter. Criteria: LabCorp Variant Classification Summary - May 2015. Collection method: clinical testing. Allele origin: germline.

Labcorp Genetics (formerly Invitae), Labcorp
Classification: Likely benign for Rhabdoid tumor predisposition syndrome 2. Last evaluated: 2024-02-05. Review status: criteria provided, single submitter. Criteria: Invitae Variant Classification Sherloc (09022015). Collection method: clinical testing. Allele origin: germline.

Ambry Genetics
Classification: Likely benign for Hereditary cancer-predisposing syndrome. Last evaluated: 2023-08-04. Review status: criteria provided, single submitter. Criteria: Ambry Variant Classification Scheme 2023. Collection method: clinical testing. Allele origin: germline.